The following is an entry in ClinVar:

NM_000030.3(AGXT):c.596-1G>A

Gene: AGXT (alanine--glyoxylate aminotransferase; plus strand). Cytogenetic location: 2q37.3.
Variant type: single nucleotide variant.
Coding change: c.596-1G>A on transcript NM_000030.3 (MANE Select); the canonical splice acceptor site of the intron before coding-DNA position 596, G replaced by A.
Molecular consequence: splice acceptor variant.
Genome position (GRCh38, 1-based): chr2:240,873,977, G>A. VCF-style: chr2-240873977-G-A. GRCh37 (hg19) VCF-style: chr2-241813394-G-A.
Identifiers: ClinVar variation 1879839 (VCV001879839.4), dbSNP rs2528753115, ClinGen allele CA351316732.
Genomic context (GRCh38, chr2:240,873,977, plus strand): 5'-CGCTGGACTGGCCTGCCCTGAGGTGGGACTCACCCGTCCCGAGCAAACCACCCATCTACA[G>A]GCATCGACATCCTGTACTCGGGCTCCCAGAAGGCCCTGAACGCCCCTCCAGGGACCTCGC-3'

ClinVar aggregate classification (germline): Pathogenic (1 of 4 stars; one submission).

Conditions:
Primary hyperoxaluria, type I (HP1). Also called: OXALOSIS I; Primary hyperoxaluria type 1; GLYCOLIC ACIDURIA; HEPATIC AGT DEFICIENCY. Identifiers: Orphanet 416, Orphanet 93598, MedGen C0268164, MONDO:0009823, OMIM 259900. Disease mechanism: loss of function.

Submission:

Kasturba Medical College, Manipal, Kasturba Medical College, Manipal, Manipal Academy of Higher Education, Manipal, India
Classification: Pathogenic for Primary hyperoxaluria, type I. Last evaluated: 2026-01-02. Review status: criteria provided, single submitter. Criteria: ACMG Guidelines, 2015. Collection method: clinical testing. Allele origin: biparental. Inheritance: Autosomal recessive inheritance. Affected: yes.
Comment: This variant is absent in the gnomAD (v4.1.0) population database. This variant has been reported in heterozygous state in two individuals and homozygous state in three similarly affected individuals from unrelated families in our in-house data of 3971 exomes. This variant has been reported in ClinVar by one submitter in association with hyperoxaluria, primary, type 1 (VCV001879839.3). It is highly likely that this canonical splice site variant causes aberrant splicing and leads to formation of truncated protein product or the transcript may undergo nonsense mediated mRNA decay. Thus, the above-mentioned variant in homozygous state is interpreted to be the likely cause for the condition observed in the proband and his sister.